The following is an entry in ClinVar:

ClinVar aggregate classification (germline): Uncertain significance. Review status: criteria provided, multiple submitters, no conflicts (2 of 4 stars). 3 submissions from 3 submitters: Uncertain significance (3). Last evaluated 2025-08-22.

Conditions:
Inborn genetic diseases. Identifiers: MedGen C0950123, MeSH D030342.
Congenital myasthenic syndrome 12 (CMS12). Also called: Myasthenia, congenital, 12, with tubular aggregates; MYASTHENIC SYNDROME, CONGENITAL, WITH TUBULAR AGGREGATES 1. Identifiers: Orphanet 353327, Orphanet 590, MedGen C3552335, MONDO:0012518, OMIM 610542.

Allele frequency attached by ClinVar (database versions not stated): gnomAD exomes below 0.00001; TOPMed 0.00002.
gnomAD v4.1: 1 of 1,613,968 alleles (0.000062%); highest among the groups gnomAD compares: Non-Finnish European, 0.000085%; no homozygotes.

Submissions (3):

Ambry Genetics
Classification: Uncertain significance for Inborn genetic diseases. Last evaluated: 2025-08-22. Review status: criteria provided, single submitter. Criteria: Ambry Variant Classification Scheme 2023. Collection method: clinical testing. Allele origin: germline.

Labcorp Genetics (formerly Invitae), Labcorp
Classification: Uncertain significance for Congenital myasthenic syndrome 12. Last evaluated: 2022-05-16. Review status: criteria provided, single submitter. Criteria: Invitae Variant Classification Sherloc (09022015). Collection method: clinical testing. Allele origin: germline.
Comment: This sequence change replaces valine, which is neutral and non-polar, with glycine, which is neutral and non-polar, at codon 105 of the GFPT1 protein (p.Val105Gly). In summary, the available evidence is currently insufficient to determine the role of this variant in disease. Therefore, it has been classified as a Variant of Uncertain Significance. Algorithms developed to predict the effect of missense changes on protein structure and function are either unavailable or do not agree on the potential impact of this missense change (SIFT: "Deleterious"; PolyPhen-2: "Benign"; Align-GVGD: "Class C0"). ClinVar contains an entry for this variant (Variation ID: 1163213). This variant has not been reported in the literature in individuals affected with GFPT1-related conditions. This variant is not present in population databases (gnomAD no frequency).

Mayo Clinic Laboratories, Mayo Clinic
Classification: Uncertain significance. Last evaluated: 2019-07-15. Review status: criteria provided, single submitter. Criteria: ACMG Guidelines, 2015. Collection method: clinical testing. Allele origin: germline. Observed: 1 variant allele.

NM_001244710.2(GFPT1):c.314T>G (p.Val105Gly)

Gene: GFPT1 (glutamine--fructose-6-phosphate transaminase 1; minus strand). Cytogenetic location: 2p13.3.
Variant type: single nucleotide variant.
Coding change: c.314T>G on transcript NM_001244710.2 (MANE Select); coding-DNA position 314, T replaced by G.
Protein change: p.Val105Gly; replaces valine 105 with glycine.
Molecular consequence: missense variant.
Genome position (GRCh38, 1-based): chr2:69,363,580, A>C on the plus strand (T>G on the coding strand, the complement: GFPT1 is on the minus strand). VCF-style: chr2-69363580-A-C. GRCh37 (hg19) VCF-style: chr2-69590712-A-C.
Other names: c.314T>G, p.Val105Gly (NM_002056.4); short protein forms V105G.
Identifiers: ClinVar variation 1163213 (VCV001163213.10), dbSNP rs929836832, ClinGen allele CA49532265.
Genomic context (GRCh38, chr2:69,363,580, plus strand): 5'-CAAAGCACAAAAAATCTTTCCATACCATTATTTTTATCAGAGCGCTGGGGGTGGCTATTG[A>C]CAGGACTGGGTTCTCCATGTGTTGCCCAACGGGTATGAGCTATTCCAAGGTGTACATCAA-3'
Protein context (NP_001231639.1, residues 95-115): RWATHGEPSP[Val105Gly]NSHPQRSDKN